The following is an entry in ClinVar:

ClinVar aggregate classification (germline): Pathogenic (1 of 4 stars; one submission).

Conditions:
Familial adenomatous polyposis 1 (FAP1). Also called: POLYPOSIS, ADENOMATOUS INTESTINAL; FAMILIAL ADENOMATOUS POLYPOSIS 1, ATTENUATED. Identifiers: MedGen C2713442, MONDO:0021056, OMIM 175100. Disease mechanism: loss of function.

Submission:

Labcorp Genetics (formerly Invitae), Labcorp
Classification: Pathogenic for Familial adenomatous polyposis 1. Last evaluated: 2022-12-31. Review status: criteria provided, single submitter. Criteria: Invitae Variant Classification Sherloc (09022015). Collection method: clinical testing. Allele origin: germline.
Comment: This sequence change creates a premature translational stop signal (p.Glu2263*) in the APC gene. While this is not anticipated to result in nonsense mediated decay, it is expected to disrupt the last 581 amino acid(s) of the APC protein. This variant is not present in population databases (gnomAD no frequency). This variant has not been reported in the literature in individuals affected with APC-related conditions. This variant is expected to disrupt the EB1 and HDLG binding sites, which mediate interactions with the cytoskeleton (PMID: 15311282, 17293347). While functional studies have not been performed to directly test the effect on APC protein function, this suggests that disruption of the C-terminal portion of the protein is functionally important. For these reasons, this variant has been classified as Pathogenic. A different truncation (p.Tyr2645Lysfs*14) that lies downstream of this variant has been determined to be pathogenic (PMID: 9824584, 1316610, 27081525, 8381579, 22135120, Invitae). This suggests that deletion of this region of the APC protein is causative of disease.

Literature cited by the submitters: PubMed 15311282; PubMed 17293347; PubMed 9824584; PubMed 1316610; PubMed 27081525; PubMed 8381579; PubMed 22135120.

NM_000038.6(APC):c.6783_6786dup (p.Glu2263Ter)

Gene: APC (APC regulator of Wnt signaling pathway; plus strand). Cytogenetic location: 5q22.2.
Variant type: Duplication.
Coding change: c.6783_6786dup on transcript NM_000038.6 (MANE Select); coding-DNA positions 6783 to 6786, 4 bases duplicated (TAGT; older notation c.6783_6786dupTAGT).
Protein change: p.Glu2263Ter; replaces glutamic acid 2263 with a stop codon.
Molecular consequence: nonsense. On other transcripts: non-coding transcript variant (2).
Genome position (GRCh38, 1-based): chr5:112,842,377-112,842,380, TAGT duplicated. VCF-style (leftmost placement, unchanged base first): chr5-112842376-C-CTAGT. GRCh37 (hg19) VCF-style: chr5-112178073-C-CTAGT.
Other names: c.6783_6786dup, p.Glu2263Ter (NM_001127510.3, NM_001354895.2, NM_001407450.1); c.6729_6732dup, p.Glu2245Ter (NM_001127511.3); c.6837_6840dup, p.Glu2281Ter (NM_001354896.2, NM_001407447.1, NM_001407448.1 and 1 more transcripts); c.6813_6816dup, p.Glu2273Ter (NM_001354897.2); c.6708_6711dup, p.Glu2238Ter (NM_001354898.2); c.6699_6702dup, p.Glu2235Ter (NM_001354899.2); c.6660_6663dup, p.Glu2222Ter (NM_001354900.2); c.6606_6609dup, p.Glu2204Ter (NM_001354901.2, NM_001407453.1); and 11 more; short protein forms E1879*, E2137*, E2172*, E2204*, E2253*, E2256*, E2281*, E1980*.
Identifiers: ClinVar variation 2825595 (VCV002825595.3), dbSNP rs2533743225, ClinGen allele CA2739271285.